The following is an entry in ClinVar:

NM_001690.4(ATP6V1A):c.1309A>G (p.Lys437Glu)

Gene: ATP6V1A (ATPase H+ transporting V1 subunit A; plus strand). Cytogenetic location: 3q13.31.
Variant type: single nucleotide variant.
Coding change: c.1309A>G on transcript NM_001690.4 (MANE Select); coding-DNA position 1309, A replaced by G.
Protein change: p.Lys437Glu; replaces lysine 437 with glutamic acid.
Molecular consequence: missense variant.
Genome position (GRCh38, 1-based): chr3:113,798,261, A>G. VCF-style: chr3-113798261-A-G. GRCh37 (hg19) VCF-style: chr3-113517108-A-G.
Other names: short protein forms K437E.
Identifiers: ClinVar variation 3391451 (VCV003391451.2).

ClinVar aggregate classification (germline): Uncertain significance (1 of 4 stars; one submission).

Submission:

GeneDx
Classification: Uncertain significance. Last evaluated: 2026-09-11. Review status: criteria provided, single submitter. Criteria: GeneDx Variant Classification Process June 2021. Collection method: clinical testing. Allele origin: germline.
Comment: Not observed at significant frequency in large population cohorts (gnomAD); In silico analysis supports that this missense variant has a deleterious effect on protein structure/function; Has not been previously published as pathogenic or benign to our knowledge